The following is an entry in ClinVar:

NM_005327.7(HADH):c.806C>G (p.Thr269Ser)

Gene: HADH (hydroxyacyl-CoA dehydrogenase; plus strand). Cytogenetic location: 4q25.
Variant type: single nucleotide variant.
Coding change: c.806C>G on transcript NM_005327.7 (MANE Select); coding-DNA position 806, C replaced by G.
Protein change: p.Thr269Ser; replaces threonine 269 with serine.
Molecular consequence: missense variant.
Genome position (GRCh38, 1-based): chr4:108,033,272, C>G. VCF-style: chr4-108033272-C-G. GRCh37 (hg19) VCF-style: chr4-108954428-C-G.
Other names: c.857C>G, p.Thr286Ser (NM_001184705.4); c.818C>G, p.Thr273Ser (NM_001331027.2); c.806C>G (NM_005327.4); short protein forms T273S, T286S, T269S.
Identifiers: ClinVar variation 1402921 (VCV001402921.4), dbSNP rs754403207, ClinGen allele CA3037629.

ClinVar aggregate classification (germline): Uncertain significance. Review status: criteria provided, multiple submitters, no conflicts (2 of 4 stars). 2 submissions from 2 submitters: Uncertain significance (2). Last evaluated 2022-10-12.

Conditions:
Inborn genetic diseases. Identifiers: MedGen C0950123, MeSH D030342.
Deficiency of 3-hydroxyacyl-CoA dehydrogenase. Also called: HADH DEFICIENCY; 3-hydroxyacyl-CoA dehydrogenase deficiency. Identifiers: Orphanet 309127, Orphanet 71212, MedGen C1291230, MONDO:0017715, OMIM 231530.

Allele frequency attached by ClinVar (database versions not stated): gnomAD exomes below 0.00001; TOPMed below 0.00001; ExAC 0.00001.
gnomAD v4.1: 6 of 1,569,076 alleles (0.00038%); highest among the groups gnomAD compares: Non-Finnish European, 0.00053%; no homozygotes.

Submissions (2):

Ambry Genetics
Classification: Uncertain significance for Inborn genetic diseases. Last evaluated: 2022-10-12. Review status: criteria provided, single submitter. Criteria: Ambry Variant Classification Scheme 2023. Collection method: clinical testing. Allele origin: germline.

Labcorp Genetics (formerly Invitae), Labcorp
Classification: Uncertain significance for Deficiency of 3-hydroxyacyl-CoA dehydrogenase. Last evaluated: 2021-09-26. Review status: criteria provided, single submitter. Criteria: Invitae Variant Classification Sherloc (09022015). Collection method: clinical testing. Allele origin: germline.
Comment: This sequence change replaces threonine with serine at codon 269 of the HADH protein (p.Thr269Ser). The threonine residue is highly conserved and there is a small physicochemical difference between threonine and serine. This variant is present in population databases (rs754403207, ExAC 0.001%). This variant has not been reported in the literature in individuals affected with HADH-related conditions. Algorithms developed to predict the effect of missense changes on protein structure and function are either unavailable or do not agree on the potential impact of this missense change (SIFT: "Deleterious"; PolyPhen-2: "Benign"; Align-GVGD: "Class C55"). Algorithms developed to predict the effect of sequence changes on RNA splicing suggest that this variant may create or strengthen a splice site. In summary, the available evidence is currently insufficient to determine the role of this variant in disease. Therefore, it has been classified as a Variant of Uncertain Significance.